The following is an entry in ClinVar:

NM_001110556.2(FLNA):c.3368C>G (p.Ser1123Cys)

Gene: FLNA (filamin A; minus strand). Cytogenetic location: Xq28.
Variant type: single nucleotide variant.
Coding change: c.3368C>G on transcript NM_001110556.2 (MANE Select); coding-DNA position 3368, C replaced by G.
Protein change: p.Ser1123Cys; replaces serine 1123 with cysteine.
Molecular consequence: missense variant.
Genome position (GRCh38, 1-based): chrX:154,360,427, G>C on the plus strand (C>G on the coding strand, the complement: FLNA is on the minus strand). VCF-style: chrX-154360427-G-C. GRCh37 (hg19) VCF-style: chrX-153588795-G-C.
Other names: c.3368C>G, p.Ser1123Cys (NM_001456.4); short protein forms S1123C.
Identifiers: ClinVar variation 519896 (VCV000519896.17), dbSNP rs782361719, ClinGen allele CA337280761.

ClinVar aggregate classification (germline): Uncertain significance. Review status: criteria provided, multiple submitters, no conflicts (2 of 4 stars). 3 submissions from 3 submitters: Uncertain significance (3). Last evaluated 2023-10-14.

Conditions:
Melnick-Needles syndrome (MNS). Also called: MELNICK-NEEDLES OSTEODYSPLASTY; Melnick-Needles Syndrome (FLNA-MNS); OSTEODYSPLASTY OF MELNICK AND NEEDLES. Identifiers: Orphanet 2484, MedGen C0025237, MONDO:0010650, OMIM 309350.
Frontometaphyseal dysplasia (FMD1). Identifiers: Orphanet 1826, MedGen C0265293, MONDO:0015942.
Heterotopia, periventricular, X-linked dominant (PVNH1). Also called: PERIVENTRICULAR NODULAR HETEROTOPIA 4; HETEROTOPIA, PERIVENTRICULAR, 1; PERIVENTRICULAR NODULAR HETEROTOPIA 1; X-linked periventricular heterotopia. Identifiers: Orphanet 2149, Orphanet 82004, MedGen C1848213, MONDO:0010233, OMIM 300049.
Oto-palato-digital syndrome, type II (OPD2). Also called: Otopalatodigital Syndrome Type 2 (FLNA-OPD2); FACIOPALATOOSSEOUS SYNDROME; OPD II SYNDROME; Otopalatodigital Syndrome, Type II. Identifiers: Orphanet 669, Orphanet 90652, MedGen C1844696, MONDO:0010571, OMIM 304120.
Familial thoracic aortic aneurysm and aortic dissection (TAAD). Also called: Thoracic aortic aneurysms and dissections. Identifiers: Orphanet 91387, MedGen C4707243, MONDO:0019625.

Allele frequency attached by ClinVar (database versions not stated): gnomAD exomes 0.00002; TOPMed 0.00002; gnomAD 0.00003.
gnomAD v4.1: 22 of 1,210,452 alleles (0.0018%); highest among the groups gnomAD compares: Non-Finnish European, 0.0025%; no homozygotes.

Submissions (3):

Labcorp Genetics (formerly Invitae), Labcorp
Classification: Uncertain significance for Oto-palato-digital syndrome, type II; Heterotopia, periventricular, X-linked dominant; Frontometaphyseal dysplasia; Melnick-Needles syndrome. Last evaluated: 2023-10-14. Review status: criteria provided, single submitter. Criteria: Invitae Variant Classification Sherloc (09022015). Collection method: clinical testing. Allele origin: germline.
Comment: This sequence change replaces serine, which is neutral and polar, with cysteine, which is neutral and slightly polar, at codon 1123 of the FLNA protein (p.Ser1123Cys). This variant is not present in population databases (gnomAD no frequency). This variant has not been reported in the literature in individuals affected with FLNA-related conditions. ClinVar contains an entry for this variant (Variation ID: 519896). Advanced modeling of protein sequence and biophysical properties (such as structural, functional, and spatial information, amino acid conservation, physicochemical variation, residue mobility, and thermodynamic stability) performed at Invitae indicates that this missense variant is not expected to disrupt FLNA protein function. In summary, the available evidence is currently insufficient to determine the role of this variant in disease. Therefore, it has been classified as a Variant of Uncertain Significance.

ARUP Laboratories, Molecular Genetics and Genomics, ARUP Laboratories
Classification: Uncertain significance. Last evaluated: 2019-04-02. Review status: criteria provided, single submitter. Criteria: ARUP Molecular Germline Variant Investigation Process. Collection method: clinical testing. Allele origin: germline.
Comment: The FLNA c.3368C>G; p.Ser1123Cys variant (rs782361719), to our knowledge, is not reported in the medical literature but is reported in ClinVar (Variation ID: 519896). This variant is absent from general population databases (1000 Genomes Project, Exome Variant Server, and Genome Aggregation Database), indicating it is not a common polymorphism. The serine at codon 1123 is highly conserved and computational analyses (SIFT, PolyPhen-2) predict that this variant is deleterious. However, due to limited information, the clinical significance of this variant is uncertain at this time.

Ambry Genetics
Classification: Uncertain significance for Familial thoracic aortic aneurysm and aortic dissection. Last evaluated: 2017-10-24. Review status: criteria provided, single submitter. Criteria: Ambry Variant Classification Scheme 2023. Collection method: clinical testing. Allele origin: germline.
Comment: The p.S1123C variant (also known as c.3368C>G), located in coding exon 21 of the FLNA gene, results from a C to G substitution at nucleotide position 3368. The serine at codon 1123 is replaced by cysteine, an amino acid with dissimilar properties. This amino acid position is highly conserved in available vertebrate species. In addition, this alteration is predicted to be deleterious by in silico analysis. Since supporting evidence is limited at this time, the clinical significance of this alteration remains unclear.